The following is an entry in ClinVar:

ClinVar aggregate classification (germline): Uncertain significance (1 of 4 stars; one submission).

Conditions:
Cystic fibrosis (CF). Also called: MUCOVISCIDOSIS. Identifiers: Orphanet 586, MedGen C0010674, MONDO:0009061, OMIM 219700. Disease mechanism: loss of function.

Submission:

Ambry Genetics
Classification: Uncertain significance for Cystic fibrosis. Last evaluated: 2024-09-15. Review status: criteria provided, single submitter. Criteria: Ambry Variant Classification Scheme 2023. Collection method: clinical testing. Allele origin: germline.
Comment: The p.F157L variant (also known as c.471T>G), located in coding exon 4 of the CFTR gene, results from a T to G substitution at nucleotide position 471. The phenylalanine at codon 157 is replaced by leucine, an amino acid with highly similar properties. This amino acid position is conserved. In addition, this alteration is predicted to be deleterious by in silico analysis. Based on the available evidence, the clinical significance of this variant remains unclear.

NM_000492.4(CFTR):c.471T>G (p.Phe157Leu)

Gene: CFTR (CF transmembrane conductance regulator; plus strand). Cytogenetic location: 7q31.2.
Variant type: single nucleotide variant.
Coding change: c.471T>G on transcript NM_000492.4 (MANE Select); coding-DNA position 471, T replaced by G.
Protein change: p.Phe157Leu; replaces phenylalanine 157 with leucine.
Molecular consequence: missense variant.
Genome position (GRCh38, 1-based): chr7:117,531,096, T>G. VCF-style: chr7-117531096-T-G. GRCh37 (hg19) VCF-style: chr7-117171150-T-G.
Other names: short protein forms F157L.
Identifiers: ClinVar variation 3491668 (VCV003491668.1).